The following is an entry in ClinVar:

NM_015474.4(SAMHD1):c.1242C>T (p.Asp414=)

Gene: SAMHD1 (SAM and HD domain containing deoxynucleoside triphosphate triphosphohydrolase 1; minus strand). Cytogenetic location: 20q11.23.
Variant type: single nucleotide variant.
Coding change: c.1242C>T on transcript NM_015474.4 (MANE Select); coding-DNA position 1242, C replaced by T.
Protein change: p.Asp414=; no amino-acid change (aspartic acid 414 retained).
Molecular consequence: synonymous variant.
Genome position (GRCh38, 1-based): chr20:36,911,246, G>A on the plus strand (C>T on the coding strand, the complement: SAMHD1 is on the minus strand). VCF-style: chr20-36911246-G-A. GRCh37 (hg19) VCF-style: chr20-35539649-G-A.
Other names: c.1242C>T, p.Asp414= (NM_001363729.2, NM_001363733.2).
Identifiers: ClinVar variation 794959 (VCV000794959.35), dbSNP rs151189478, ClinGen allele CA9844553.
Genomic context (GRCh38, chr20:36,911,246, plus strand): 5'-ATGGACCATCTATGTTACCTGTTACTTCTTACCTGTCAGCTTAGTATAGGCTTCCATGTC[G>A]TCAATTGCTGTAGAAATGCGATACTTTTTTCCTCCAGCACCTGTAATCTCTATGTAGTCA-3'
Protein context (NP_056289.2, residues 404-424): GKKYRISTAI[Asp414=]DMEAYTKLTD

ClinVar aggregate classification (germline): Likely benign. Review status: criteria provided, multiple submitters, no conflicts (2 of 4 stars). 3 submissions from 3 submitters: Likely benign (3). Last evaluated 2025-11-24.

Conditions:
Aicardi-Goutieres syndrome 5. Identifiers: Orphanet 51, MedGen C2749659, MONDO:0013059, OMIM 612952.

Allele frequency attached by ClinVar (database versions not stated): ExAC 0.00002; TOPMed 0.00002; gnomAD 0.00003 and 0.00004; gnomAD exomes 0.00004 and 0.00005; ESP Exome Variant Server 0.00008.
gnomAD v4.1: 75 of 1,612,596 alleles (0.0047%); highest among the groups gnomAD compares: Middle Eastern, 0.016%; no homozygotes.

Submissions (3):

Labcorp Genetics (formerly Invitae), Labcorp
Classification: Likely benign for Aicardi-Goutieres syndrome 5. Last evaluated: 2025-11-24. Review status: criteria provided, single submitter. Criteria: Invitae Variant Classification Sherloc (09022015). Collection method: clinical testing. Allele origin: germline.

CeGaT Center for Human Genetics Tuebingen
Classification: Likely benign. Last evaluated: 2022-09-01. Review status: criteria provided, single submitter. Criteria: CeGaT Center For Human Genetics Tuebingen Variant Classification Criteria Version 2. Collection method: clinical testing. Allele origin: germline. Affected: yes. Observed: 1 variant allele.
Comment: SAMHD1: BP4, BP7

Blueprint Genetics
Classification: Likely benign. Last evaluated: 2022-07-25. Review status: criteria provided, single submitter. Criteria: ACMG Guidelines, 2015. Collection method: clinical testing. Allele origin: germline.